The following is an entry in ClinVar:

ClinVar aggregate classification (germline): Uncertain significance. Review status: criteria provided, multiple submitters, no conflicts (2 of 4 stars). 2 submissions from 2 submitters: Uncertain significance (2). Last evaluated 2025-04-12.

Conditions:
Primary ciliary dyskinesia. Also called: Ciliary dyskinesia. Identifiers: Orphanet 244, MedGen C0008780, MONDO:0016575, HP:0012265.

Allele frequency attached by ClinVar (database versions not stated): gnomAD exomes below 0.00001; TOPMed below 0.00001.
gnomAD v4.1: 3 of 1,609,540 alleles (0.00019%); highest among the groups gnomAD compares: Admixed American, 0.0017%; no homozygotes.

Submissions (2):

Ambry Genetics
Classification: Uncertain significance for Primary ciliary dyskinesia. Last evaluated: 2025-04-12. Review status: criteria provided, single submitter. Criteria: Ambry Variant Classification Scheme 2023. Collection method: clinical testing. Allele origin: germline.

Labcorp Genetics (formerly Invitae), Labcorp
Classification: Uncertain significance for Primary ciliary dyskinesia. Last evaluated: 2020-04-08. Review status: criteria provided, single submitter. Criteria: Invitae Variant Classification Sherloc (09022015). Collection method: clinical testing. Allele origin: germline.
Comment: In summary, the available evidence is currently insufficient to determine the role of this variant in disease. Therefore, it has been classified as a Variant of Uncertain Significance. Algorithms developed to predict the effect of missense changes on protein structure and function are either unavailable or do not agree on the potential impact of this missense change (SIFT: "Deleterious"; PolyPhen-2: "Probably Damaging"; Align-GVGD: "Class C0"). This variant has not been reported in the literature in individuals with DNAH11-related conditions. This variant is not present in population databases (ExAC no frequency). This sequence change replaces glycine with glutamic acid at codon 4443 of the DNAH11 protein (p.Gly4443Glu). The glycine residue is moderately conserved and there is a moderate physicochemical difference between glycine and glutamic acid.

NM_001277115.2(DNAH11):c.13328G>A (p.Gly4443Glu)

Genes: CDCA7L (cell division cycle associated 7 like; minus strand), DNAH11 (dynein axonemal heavy chain 11; plus strand). Cytogenetic location: 7p15.3.
Variant type: single nucleotide variant.
Coding change: c.13328G>A on transcript NM_001277115.2 (MANE Select); coding-DNA position 13328, G replaced by A.
Protein change: p.Gly4443Glu; replaces glycine 4443 with glutamic acid.
Molecular consequence: missense variant. On other transcripts: 3 prime UTR variant (3).
Genome position (GRCh38, 1-based): chr7:21,901,031, G>A. VCF-style: chr7-21901031-G-A. GRCh37 (hg19) VCF-style: chr7-21940649-G-A.
Other names: c.13328G>A (NM_001277115.1); c.*1291C>T (NM_001127370.3, NM_001127371.3, NM_018719.5); short protein forms G4443E.
Identifiers: ClinVar variation 1046755 (VCV001046755.10), dbSNP rs1375156859, ClinGen allele CA366956550.
Genomic context (GRCh38, chr7:21,901,031, plus strand): 5'-TGCCACACAATTGCAACCGCTGTGTTTTTGCCATAGGCGCCCGCTGGGACACCCAAGCAG[G>A]AACCATTGTTGAAGCCCGTCTCAAGGAGCTGGCATGCCCTATGCCGGTCATCTTTGCAAA-3'
Protein context (NP_001264044.1, residues 4433-4453): MEGARWDTQA[Gly4443Glu]TIVEARLKEL